The following is an entry in ClinVar:

ClinVar aggregate classification (germline): Benign. Review status: criteria provided, multiple submitters, no conflicts (2 of 4 stars). 8 submissions from 8 submitters: Benign (4). 4 of the submissions do not count toward it. Last evaluated 2026-09-01.

Conditions:
CSF1R-related disorder. Also called: CSF1R-related condition. Identifiers: MedGen CN379780, MONDO:0100632.
Hereditary diffuse leukoencephalopathy with spheroids. Also called: LEUKOENCEPHALOPATHY, ADULT-ONSET, WITH AXONAL SPHEROIDS AND PIGMENTED GLIA. Identifiers: Orphanet 313808, MedGen C3711381, MONDO:0030796.

Allele frequency attached by ClinVar (database versions not stated): ESP Exome Variant Server 0.00246; gnomAD 0.00258 and 0.00279; TOPMed 0.00280; 1000 Genomes Project 0.00359; gnomAD exomes 0.00398 and 0.00434; ExAC 0.00426.
gnomAD v4.1: 6,778 of 1,611,920 alleles (0.42%); highest among the groups gnomAD compares: Middle Eastern, 1.1%; 33 homozygotes.

Submissions (8):

CeGaT Center for Human Genetics Tuebingen
Classification: Benign. Last evaluated: 2026-09-01. Review status: criteria provided, single submitter. Criteria: CeGaT Center For Human Genetics Tuebingen Variant Classification Criteria Version 2. Collection method: clinical testing. Allele origin: germline. Affected: yes. Observed: 18 variant alleles.
Comment: CSF1R: BP4, BP7, BS1, BS2

Labcorp Genetics (formerly Invitae), Labcorp
Classification: Benign. Last evaluated: 2026-01-27. Review status: criteria provided, single submitter. Criteria: Invitae Variant Classification Sherloc (09022015). Collection method: clinical testing. Allele origin: germline.

Mayo Clinic Laboratories, Mayo Clinic
Classification: Benign. Last evaluated: 2024-05-03. Review status: criteria provided, single submitter. Criteria: ACMG Guidelines, 2015. Collection method: clinical testing. Allele origin: germline. Observed: 12 variant alleles.
Comment: BS1, BS2, BP4, BP7

Illumina Laboratory Services, Illumina
Classification: Benign for Leukoencephalopathy, diffuse hereditary, with spheroids 1. Last evaluated: 2018-01-12. Review status: criteria provided, single submitter. Criteria: ICSL Variant Classification Criteria 13 December 2019. Collection method: clinical testing. Allele origin: germline.
Comment: This variant was observed in the ICSL laboratory as part of a predisposition screen in an ostensibly healthy population. It had not been previously curated by ICSL or reported in the Human Gene Mutation Database (HGMD: prior to June 1st, 2018), and was therefore a candidate for classification through an automated scoring system. Utilizing variant allele frequency, disease prevalence and penetrance estimates, and inheritance mode, an automated score was calculated to assess if this variant is too frequent to cause the disease. Based on the score and internal cut-off values, a variant classified as benign is not then subjected to further curation. The score for this variant resulted in a classification of benign for this disease.

PreventionGenetics, part of Exact Sciences
Classification: Benign for CSF1R-related condition. Last evaluated: 2019-05-13. Review status: no assertion criteria provided. Collection method: clinical testing. Allele origin: germline. Not counted in ClinVar's aggregate classification.
Comment: This variant is classified as benign based on ACMG/AMP sequence variant interpretation guidelines (Richards et al. 2015 PMID: 25741868, with internal and published modifications).

Clinical Genetics DNA and cytogenetics Diagnostics Lab, Erasmus MC, Erasmus Medical Center
Classification: Likely benign. Review status: no assertion criteria provided. Collection method: clinical testing. Allele origin: germline. Affected: yes. Study: VKGL Data-share Consensus. Not counted in ClinVar's aggregate classification.

Genome Diagnostics Laboratory, Amsterdam University Medical Center
Classification: Benign. Review status: no assertion criteria provided. Collection method: clinical testing. Allele origin: germline. Affected: yes. Study: VKGL Data-share Consensus. Not counted in ClinVar's aggregate classification.

Laboratory of Diagnostic Genome Analysis, Leiden University Medical Center (LUMC)
Classification: Benign. Review status: no assertion criteria provided. Collection method: clinical testing. Allele origin: germline. Affected: yes. Study: VKGL Data-share Consensus. Not counted in ClinVar's aggregate classification.

NM_001288705.3(CSF1R):c.2799T>C (p.Gly933=)

Gene: CSF1R (colony stimulating factor 1 receptor; minus strand). Cytogenetic location: 5q32.
Variant type: single nucleotide variant.
Coding change: c.2799T>C on transcript NM_001288705.3 (MANE Select); coding-DNA position 2799, T replaced by C.
Protein change: p.Gly933=; no amino-acid change (glycine 933 retained).
Molecular consequence: synonymous variant. On other transcripts: non-coding transcript variant (2).
Genome position (GRCh38, 1-based): chr5:150,054,189, A>G on the plus strand (T>C on the coding strand, the complement: CSF1R is on the minus strand). VCF-style: chr5-150054189-A-G. GRCh37 (hg19) VCF-style: chr5-149433752-A-G.
Other names: p.Gly933=; c.2799T>C, p.Gly933= (NM_001349736.2, NM_001375320.1, NM_005211.4); c.2355T>C, p.Gly785= (NM_001375321.1).
Identifiers: ClinVar variation 352125 (VCV000352125.49), dbSNP rs41287092, ClinGen allele CA3506331.